The following is an entry in ClinVar:

NM_015272.5(RPGRIP1L):c.883-7C>A

Gene: RPGRIP1L (RPGRIP1 like; minus strand). Cytogenetic location: 16q12.2.
Variant type: single nucleotide variant.
Coding change: c.883-7C>A on transcript NM_015272.5 (MANE Select); 7 bases into the intron before coding-DNA position 883, C replaced by A.
Molecular consequence: intron variant.
Genome position (GRCh38, 1-based): chr16:53,673,023, G>T on the plus strand (C>A on the coding strand, the complement: RPGRIP1L is on the minus strand). VCF-style: chr16-53673023-G-T. GRCh37 (hg19) VCF-style: chr16-53706935-G-T.
Other names: c.883-7C>A (NM_001127897.4, NM_001330538.2, NM_001308334.3 and 1 more transcripts).
Identifiers: ClinVar variation 992041 (VCV000992041.11), dbSNP rs372349467, ClinGen allele CA8057980.
Genomic context (GRCh38, chr16:53,673,023, plus strand): 5'-TTCATCCCCATTTGCCATCAAAGCATCGTGGCTGATTCTGAGAGTTCTTTGCTTCTAAAA[G>T]ATAAAAAGAACATCTTTCAAACATTATTTTTGACTAAATGATTAAATTTGACTAAATGAT-3'

ClinVar aggregate classification (germline): Likely benign. Review status: criteria provided, single submitter (1 of 4 stars). 3 submissions from 3 submitters: Likely benign (1). 2 of the submissions do not count toward it. Last evaluated 2026-01-12.

Conditions:
Joubert syndrome. Also called: JOUBERT-BOLTSHAUSER SYNDROME; Familial aplasia of the vermis. Identifiers: Orphanet 475, MedGen C5979921, MONDO:0018772.
RPGRIP1L-related disorder. Also called: RPGRIP1L-related disorders; RPGRIP1L-related condition. Identifiers: MedGen CN239416.
Meckel-Gruber syndrome. Also called: Dysencephalia splachnocystica; DYSENCEPHALIA SPLANCHNOCYSTICA; GRUBER SYNDROME. Identifiers: Orphanet 564, MedGen C0265215, MONDO:0018921.

Allele frequency attached by ClinVar (database versions not stated): gnomAD exomes 0.00002; TOPMed 0.00003; ExAC 0.00004; ESP Exome Variant Server 0.00008; gnomAD 0.00005.
gnomAD v4.1: 51 of 1,610,490 alleles (0.0032%); highest among the groups gnomAD compares: Non-Finnish European, 0.0043%; no homozygotes.

Submissions (3):

Labcorp Genetics (formerly Invitae), Labcorp
Classification: Likely benign for Joubert syndrome; Meckel-Gruber syndrome. Last evaluated: 2026-01-12. Review status: criteria provided, single submitter. Criteria: Invitae Variant Classification Sherloc (09022015). Collection method: clinical testing. Allele origin: germline.

PreventionGenetics, part of Exact Sciences
Classification: Likely benign for RPGRIP1L-related condition. Last evaluated: 2023-10-13. Review status: no assertion criteria provided. Collection method: clinical testing. Allele origin: germline. Not counted in ClinVar's aggregate classification.
Comment: This variant is classified as likely benign based on ACMG/AMP sequence variant interpretation guidelines (Richards et al. 2015 PMID: 25741868, with internal and published modifications).

Natera, Inc.
Classification: Uncertain significance for Joubert syndrome. Last evaluated: 2020-09-21. Review status: no assertion criteria provided. Collection method: clinical testing. Allele origin: germline. Not counted in ClinVar's aggregate classification.